The following is an entry in ClinVar:

ClinVar aggregate classification (germline): Uncertain significance (1 of 4 stars; one submission).

Submission:

Labcorp Genetics (formerly Invitae), Labcorp
Classification: Uncertain significance. Last evaluated: 2021-05-30. Review status: criteria provided, single submitter. Criteria: Invitae Variant Classification Sherloc (09022015). Collection method: clinical testing. Allele origin: germline.
Comment: This variant has not been reported in the literature in individuals with ELP1-related conditions. Algorithms developed to predict the effect of missense changes on protein structure and function are either unavailable or do not agree on the potential impact of this missense change (SIFT: "Tolerated"; PolyPhen-2: "Probably Damaging"; Align-GVGD: "Class C0"). In summary, the available evidence is currently insufficient to determine the role of this variant in disease. Therefore, it has been classified as a Variant of Uncertain Significance. This sequence change replaces glutamine with glutamic acid at codon 703 of the ELP1 protein (p.Gln703Glu). The glutamine residue is moderately conserved and there is a small physicochemical difference between glutamine and glutamic acid. This variant is not present in population databases (ExAC no frequency).

NM_003640.5(ELP1):c.2107C>G (p.Gln703Glu)

Gene: ELP1 (elongator acetyltransferase complex subunit 1; minus strand). Cytogenetic location: 9q31.3.
Variant type: single nucleotide variant.
Coding change: c.2107C>G on transcript NM_003640.5 (MANE Select); coding-DNA position 2107, C replaced by G.
Protein change: p.Gln703Glu; replaces glutamine 703 with glutamic acid.
Molecular consequence: missense variant.
Genome position (GRCh38, 1-based): chr9:108,900,283, G>C on the plus strand (C>G on the coding strand, the complement: ELP1 is on the minus strand). VCF-style: chr9-108900283-G-C. GRCh37 (hg19) VCF-style: chr9-111662563-G-C.
Other names: c.1765C>G, p.Gln589Glu (NM_001318360.2); c.1060C>G, p.Gln354Glu (NM_001330749.2); short protein forms Q354E, Q589E, Q703E.
Identifiers: ClinVar variation 1397439 (VCV001397439.8), dbSNP rs2131988430, ClinGen allele CA374423390.